The following is an entry in ClinVar:

ClinVar aggregate classification (germline): Benign/Likely benign. Review status: criteria provided, multiple submitters, no conflicts (2 of 4 stars). 6 submissions from 6 submitters: Benign (4); Likely benign (2). Last evaluated 2024-11-23.

Allele frequency attached by ClinVar (database versions not stated): 1000 Genomes Project 0.00120; 1000 Genomes Project 30x 0.00125; gnomAD 0.00327 and 0.00334; TOPMed 0.00327; ESP Exome Variant Server 0.00361; gnomAD exomes 0.00398; ExAC 0.00415.

Submissions (6):

Blueprint Genetics
Classification: Likely benign. Last evaluated: 2024-11-23. Review status: criteria provided, single submitter. Criteria: ACMG Guidelines, 2015. Collection method: clinical testing. Allele origin: germline.

CeGaT Center for Human Genetics Tuebingen
Classification: Likely benign. Last evaluated: 2024-06-01. Review status: criteria provided, single submitter. Criteria: CeGaT Center For Human Genetics Tuebingen Variant Classification Criteria Version 2. Collection method: clinical testing. Allele origin: germline. Affected: yes. Observed: 1 variant allele.
Comment: PRKACG: BP4, BP7, BS2

Mayo Clinic Laboratories, Mayo Clinic
Classification: Benign. Last evaluated: 2024-05-21. Review status: criteria provided, single submitter. Criteria: ACMG Guidelines, 2015. Collection method: clinical testing. Allele origin: germline. Observed: 7 variant alleles.
Comment: BS1, BS2, BP4, BP7

Labcorp Genetics (formerly Invitae), Labcorp
Classification: Benign. Last evaluated: 2019-12-31. Review status: criteria provided, single submitter. Criteria: Invitae Variant Classification Sherloc (09022015). Collection method: clinical testing. Allele origin: germline.

Genetic Services Laboratory, University of Chicago
Classification: Benign. Last evaluated: 2018-09-05. Review status: criteria provided, single submitter. Criteria: ACMG Guidelines, 2015. Collection method: clinical testing. Allele origin: germline. Affected: no.

Breakthrough Genomics
Classification: Benign. Review status: criteria provided, single submitter. Criteria: ACMG Guidelines, 2015. Collection method: not provided. Allele origin: germline. Inheritance: Autosomal recessive inheritance. Affected: yes.

NM_002732.4(PRKACG):c.723C>T (p.Ala241=)

Gene: PRKACG (protein kinase cAMP-activated catalytic subunit gamma; minus strand). Cytogenetic location: 9q21.11.
Variant type: single nucleotide variant.
Coding change: c.723C>T on transcript NM_002732.4 (MANE Select); coding-DNA position 723, C replaced by T.
Protein change: p.Ala241=; no amino-acid change (alanine 241 retained).
Molecular consequence: synonymous variant.
Genome position (GRCh38, 1-based): chr9:69,013,370, G>A on the plus strand (C>T on the coding strand, the complement: PRKACG is on the minus strand). VCF-style: chr9-69013370-G-A. GRCh37 (hg19) VCF-style: chr9-71628286-G-A.
Other names: p.Ala241=.
Identifiers: ClinVar variation 779256 (VCV000779256.29), dbSNP rs41288749, ClinGen allele CA5072448.